The following is an entry in ClinVar:

NM_006231.4(POLE):c.5929dup (p.Glu1977fs)

Gene: POLE (DNA polymerase epsilon, catalytic subunit; minus strand). Cytogenetic location: 12q24.33.
Variant type: Duplication.
Coding change: c.5929dup on transcript NM_006231.4 (MANE Select); coding-DNA position 5929, one base duplicated (G; older notation c.5929dupG).
Protein change: p.Glu1977fs; shifts the reading frame from glutamic acid 1977.
Molecular consequence: frameshift variant.
Genome position (GRCh38, 1-based): chr12:132,634,261, C duplicated on the plus strand (G on the coding strand, the reverse complement: POLE is on the minus strand); the first of 2 consecutive C bases (chr12:132,634,261-132,634,262); duplicating either gives the same sequence. VCF-style (leftmost placement, unchanged base first): chr12-132634260-T-TC. GRCh37 (hg19) VCF-style: chr12-133210846-T-TC.
Other names: short protein forms E1977fs.
Identifiers: ClinVar variation 4728328 (VCV004728328.1).

ClinVar aggregate classification (germline): Pathogenic (1 of 4 stars; one submission).

Submission:

Labcorp Genetics (formerly Invitae), Labcorp
Classification: Pathogenic. Last evaluated: 2025-10-02. Review status: criteria provided, single submitter. Criteria: Invitae Variant Classification Sherloc (09022015). Collection method: clinical testing. Allele origin: germline.
Comment: This sequence change creates a premature translational stop signal (p.Glu1977Glyfs*82) in the POLE gene. It is expected to result in an absent or disrupted protein product. Loss-of-function variants in POLE are known to be pathogenic (PMID: 23230001, 25948378, 30503519). This variant is not present in population databases (gnomAD no frequency). This variant has not been reported in the literature in individuals affected with POLE-related conditions. For these reasons, this variant has been classified as Pathogenic.

Literature cited by the submitters: PubMed 23230001; PubMed 25948378; PubMed 30503519.